The following is an entry in ClinVar:

ClinVar aggregate classification (germline): Uncertain significance (1 of 4 stars; one submission).

Conditions:
Neurofibromatosis, type 1 (NF1). Also called: NEUROFIBROMATOSIS, TYPE I, SOMATIC; Neurofibromatosis, type I; VON RECKLINGHAUSEN DISEASE; Peripheral type neurofibromatosis. Identifiers: Orphanet 636, MedGen C0027831, MONDO:0018975, OMIM 162200. Disease mechanism: loss of function.

Submission:

Labcorp Genetics (formerly Invitae), Labcorp
Classification: Uncertain significance for Neurofibromatosis, type 1. Last evaluated: 2024-04-22. Review status: criteria provided, single submitter. Criteria: Invitae Variant Classification Sherloc (09022015). Collection method: clinical testing. Allele origin: germline.
Comment: This sequence change replaces arginine, which is basic and polar, with tryptophan, which is neutral and slightly polar, at codon 764 of the NF1 protein (p.Arg764Trp). This variant is not present in population databases (gnomAD no frequency). This variant has not been reported in the literature in individuals affected with NF1-related conditions. ClinVar contains an entry for this variant (Variation ID: 1062158). Advanced modeling of protein sequence and biophysical properties (such as structural, functional, and spatial information, amino acid conservation, physicochemical variation, residue mobility, and thermodynamic stability) performed at Invitae indicates that this missense variant is expected to disrupt NF1 protein function with a positive predictive value of 95%. In summary, the available evidence is currently insufficient to determine the role of this variant in disease. Therefore, it has been classified as a Variant of Uncertain Significance.

NM_001042492.3(NF1):c.2290A>T (p.Arg764Trp)

Gene: NF1 (neurofibromin 1; plus strand). Cytogenetic location: 17q11.2.
Variant type: single nucleotide variant.
Coding change: c.2290A>T on transcript NM_001042492.3 (MANE Select); coding-DNA position 2290, A replaced by T.
Protein change: p.Arg764Trp; replaces arginine 764 with tryptophan.
Molecular consequence: missense variant.
Genome position (GRCh38, 1-based): chr17:31,227,256, A>T. VCF-style: chr17-31227256-A-T. GRCh37 (hg19) VCF-style: chr17-29554274-A-T.
Other names: c.2290A>T, p.Arg764Trp (NM_000267.4); short protein forms R764W.
Identifiers: ClinVar variation 1062158 (VCV001062158.5), dbSNP rs2151426915, ClinGen allele CA398982804.